The following is an entry in ClinVar:

ClinVar aggregate classification (germline): Uncertain significance (1 of 4 stars; one submission).

Submission:

Labcorp Genetics (formerly Invitae), Labcorp
Classification: Uncertain significance. Last evaluated: 2022-04-11. Review status: criteria provided, single submitter. Criteria: Invitae Variant Classification Sherloc (09022015). Collection method: clinical testing. Allele origin: germline.
Comment: In summary, the available evidence is currently insufficient to determine the role of this variant in disease. Therefore, it has been classified as a Variant of Uncertain Significance. Algorithms developed to predict the effect of sequence changes on RNA splicing suggest that this variant may disrupt the consensus splice site. This variant has not been reported in the literature in individuals affected with HMCN1-related conditions. This variant is not present in population databases (gnomAD no frequency). This sequence change falls in intron 72 of the HMCN1 gene. It does not directly change the encoded amino acid sequence of the HMCN1 protein.

NM_031935.3(HMCN1):c.11131+10G>T

Gene: HMCN1 (hemicentin 1; plus strand). Cytogenetic location: 1q31.1.
Variant type: single nucleotide variant.
Coding change: c.11131+10G>T on transcript NM_031935.3 (MANE Select); 10 bases into the intron after coding-DNA position 11131, G replaced by T.
Molecular consequence: intron variant.
Genome position (GRCh38, 1-based): chr1:186,112,963, G>T. VCF-style: chr1-186112963-G-T. GRCh37 (hg19) VCF-style: chr1-186082095-G-T.
Identifiers: ClinVar variation 2086452 (VCV002086452.4), dbSNP rs2527997124, ClinGen allele CA2580061689.